The following is an entry in ClinVar:

ClinVar aggregate classification (germline): Likely benign (1 of 4 stars; one submission).

gnomAD v4.1: 2,067 of 1,613,316 alleles (0.13%); highest among the groups gnomAD compares: Middle Eastern, 0.41%; 14 homozygotes.

Submission:

CeGaT Center for Human Genetics Tuebingen
Classification: Likely benign. Last evaluated: 2026-07-01. Review status: criteria provided, single submitter. Criteria: CeGaT Center For Human Genetics Tuebingen Variant Classification Criteria Version 2. Collection method: clinical testing. Allele origin: germline. Affected: yes. Observed: 4 variant alleles.
Comment: CLCN3: BP4, BP7

NM_001829.4(CLCN3):c.2367-2081T>C

Gene: CLCN3 (Cl-/H+ antiporter 3; plus strand). Cytogenetic location: 4q33.
Variant type: single nucleotide variant.
Coding change: c.2367-2081T>C on transcript NM_001829.4 (MANE Select); 2081 bases into the intron before coding-DNA position 2367, T replaced by C.
Molecular consequence: intron variant. On other transcripts: synonymous variant (1).
Genome position (GRCh38, 1-based): chr4:169,717,826, T>C. VCF-style: chr4-169717826-T-C. GRCh37 (hg19) VCF-style: chr4-170638977-T-C.
Other names: c.2401T>C, p.Leu801= (NM_173872.4); c.2286-2081T>C (NM_001243372.2, NM_001243374.2).
Identifiers: ClinVar variation 3257638 (VCV003257638.17).
Genomic context (GRCh38, chr4:169,717,826, plus strand): 5'-GTTATTAGCATAATAATCTGTTTCAGGATTGTCTTGGGGATCATCACAAAGAAGAACATA[T>C]TAGAGCATCTCGAGCAACTAAAGCAGCACGTCGAACCCTTGGTGATTAGATATATCAGAT-3'